The following is an entry in ClinVar:

ClinVar aggregate classification (germline): Uncertain significance (1 of 4 stars; one submission).

Conditions:
FANCE-related disorder. Also called: FANCE-related condition.

Submission:

PreventionGenetics, part of Exact Sciences
Classification: Uncertain significance for FANCE-related condition. Last evaluated: 2025-07-07. Review status: criteria provided, single submitter. Criteria: ACMG Guidelines, 2015. Collection method: clinical testing. Allele origin: germline.
Comment: The FANCE c.1526G>A variant is predicted to result in the amino acid substitution p.Arg509Lys. To our knowledge, this variant has not been reported in the literature or in a large population database (gnomAD), indicating this variant is rare. At this time, the clinical significance of this variant is uncertain due to the absence of conclusive functional and genetic evidence.

NM_021922.3(FANCE):c.1526G>A (p.Arg509Lys)

Gene: FANCE (FA complementation group E; plus strand). Cytogenetic location: 6p21.31.
Variant type: single nucleotide variant.
Coding change: c.1526G>A on transcript NM_021922.3 (MANE Select); coding-DNA position 1526, G replaced by A.
Protein change: p.Arg509Lys; replaces arginine 509 with lysine.
Molecular consequence: missense variant.
Genome position (GRCh38, 1-based): chr6:35,466,260, G>A. VCF-style: chr6-35466260-G-A. GRCh37 (hg19) VCF-style: chr6-35434037-G-A.
Other names: c.1333G>A, p.Gly445Ser (NM_001410876.1); short protein forms R509K, G445S.
Identifiers: ClinVar variation 4998739 (VCV004998739.1).
Genomic context (GRCh38, chr6:35,466,260, plus strand): 5'-GGATCAGTTGCTGGAGTCCTGACATGATTTTTCCTTCTCCCCAGATCACTGAGACCCAGA[G>A]GCTGGGCCTGGCTATGGCCCTAGAACCTAACACCACCTTCCTGAGGAAGTCCCTGAAGGC-3'
Protein context (NP_068741.1, residues 499-519): KYQANITETQ[Arg509Lys]LGLAMALEPN